The following is an entry in ClinVar:

NM_000059.4(BRCA2):c.9766_9770del (p.Glu3256fs)

Gene: BRCA2 (BRCA2 DNA repair associated; plus strand). Cytogenetic location: 13q13.1.
Variant type: Deletion.
Coding change: c.9766_9770del on transcript NM_000059.4 (MANE Select); coding-DNA positions 9766 to 9770, 5 bases deleted (GAGAA; older notation c.9766_9770delGAGAA).
Protein change: p.Glu3256fs; shifts the reading frame from glutamic acid 3256.
Molecular consequence: frameshift variant.
Genome position (GRCh38, 1-based): chr13:32,398,279-32,398,283, GAGAA deleted. VCF-style (leftmost placement, unchanged base first): chr13-32398278-GGAGAA-G. GRCh37 (hg19) VCF-style: chr13-32972415-GGAGAA-G.
Other names: c.9766_9770delGAGAA (NM_000059.3); short protein forms E3256fs.
Identifiers: ClinVar variation 495522 (VCV000495522.1), dbSNP rs1555289953, ClinGen allele CA658683834.
Genomic context (GRCh38, chr13:32,398,278, plus strand): 5'-CAAAAGGAAGTCTGTTTCCACACCTGTCTCAGCCCAGATGACTTCAAAGTCTTGTAAAGG[GGAGAA>G]AGAGATTGATGACCAAAAGAACTGCAAAAAGAGAAGAGCCTTGGATTTCTTGAGTAGACT-3'

ClinVar aggregate classification (germline): Likely pathogenic (1 of 4 stars; one submission).

Conditions:
Hereditary breast ovarian cancer syndrome. Also called: Breast and ovarian cancer; BRCA1- and BRCA2-Associated Hereditary Breast and Ovarian Cancer; Hereditary breast and ovarian cancer syndrome (HBOC); Hereditary breast and ovarian cancer; Hereditary breast and/or ovarian cancer syndrome; Hereditary breast and ovarian cancer syndrome. Identifiers: Orphanet 145, MedGen C0677776, MeSH D061325, MONDO:0003582. Disease mechanism: loss of function.

Submission:

Women's Health and Genetics/Laboratory Corporation of America, LabCorp
Classification: Likely pathogenic for Hereditary breast ovarian cancer syndrome. Last evaluated: 2016-06-14. Review status: criteria provided, single submitter. Criteria: LabCorp Variant Classification Summary - May 2015. Collection method: clinical testing. Allele origin: germline.
Comment: Variant summary: The BRCA2 c.9766_9770delGAGAA (p.Glu3256Argfs) variant causes a frameshift mutation resulting in a truncated BRCA2 protein, a commonly known mechanism for disease. This mutation is located in the last exon of BRCA2, which will shorten the protein by 162 amino acids. Truncations downstream of this position have been classified as likely pathogenic/pathogenic by our laboratory (e.g., c.9788delA, c.9800dupA, and c.9924C>G). The variant of interest was not observed in controls (ExAC, 1000 Gs, ESP), nor has it been, to our knowledge, reported in affected individuals via publications and/or reputable clinical laboratories/databases. Therefore, taking all available lines of evidence into consideration, the variant of interest was classified as likely pathogenic.